The following is an entry in ClinVar:

NM_001199198.3(TBC1D23):c.1883G>T (p.Gly628Val)

Gene: TBC1D23 (TBC1 domain family member 23; plus strand). Cytogenetic location: 3q12.2.
Variant type: single nucleotide variant.
Coding change: c.1883G>T on transcript NM_001199198.3 (MANE Select); coding-DNA position 1883, G replaced by T.
Protein change: p.Gly628Val; replaces glycine 628 with valine.
Molecular consequence: missense variant.
Genome position (GRCh38, 1-based): chr3:100,320,836, G>T. VCF-style: chr3-100320836-G-T. GRCh37 (hg19) VCF-style: chr3-100039680-G-T.
Other names: c.1838G>T, p.Gly613Val (NM_018309.5); short protein forms G613V, G628V.
Identifiers: ClinVar variation 1031925 (VCV001031925.1), dbSNP rs777421069, ClinGen allele CA353821715.

ClinVar aggregate classification (germline): Uncertain significance (1 of 4 stars; one submission).

Conditions:
Pontocerebellar hypoplasia, type 11. Identifiers: Orphanet 611247, MedGen C4540164, MONDO:0054669, OMIM 617695.

Submission:

Baylor Genetics
Classification: Uncertain significance for Pontocerebellar hypoplasia, type 11. Last evaluated: 2018-08-30. Review status: criteria provided, single submitter. Criteria: ACMG Guidelines, 2015. Collection method: clinical testing. Allele origin: unknown. Affected: yes.
Comment: This variant was determined to be of uncertain significance according to ACMG Guidelines, 2015 [PMID:25741868].